The following is an entry in ClinVar:

NM_006096.4(NDRG1):c.69C>A (p.Ile23=)

Gene: NDRG1 (N-myc downstream regulated 1; minus strand). Cytogenetic location: 8q24.22.
Variant type: single nucleotide variant.
Coding change: c.69C>A on transcript NM_006096.4 (MANE Select); coding-DNA position 69, C replaced by A.
Protein change: p.Ile23=; no amino-acid change (isoleucine 23 retained).
Molecular consequence: synonymous variant. On other transcripts: 5 prime UTR variant (2), intron variant (1).
Genome position (GRCh38, 1-based): chr8:133,280,262, G>T on the plus strand (C>A on the coding strand, the complement: NDRG1 is on the minus strand). VCF-style: chr8-133280262-G-T. GRCh37 (hg19) VCF-style: chr8-134292505-G-T.
Other names: c.69C>A, p.Ile23= (NM_001135242.2, NM_001374844.1, NM_001374845.1 and 1 more transcripts); c.-69C>A (NM_001258433.2); c.-130C>A (NM_001374847.1); c.-99-15610C>A (NM_001258432.2).
Identifiers: ClinVar variation 215863 (VCV000215863.15), dbSNP rs369862936, ClinGen allele CA339356.

ClinVar aggregate classification (germline): Likely benign. Review status: criteria provided, multiple submitters, no conflicts (2 of 4 stars). 4 submissions from 4 submitters: Likely benign (3). 1 of the submissions does not count toward it. Last evaluated 2025-03-20.

Conditions:
NDRG1-related disorder. Also called: NDRG1-related condition.
Inborn genetic diseases. Identifiers: MedGen C0950123, MeSH D030342.
Charcot-Marie-Tooth disease type 4. Also called: Charcot-Marie-Tooth disease, type IV; Charcot-Marie-Tooth, Type 4. Identifiers: Orphanet 64749, MedGen C4082197, MONDO:0018995.

Allele frequency attached by ClinVar (database versions not stated): gnomAD 0.00005; ESP Exome Variant Server 0.00008; TOPMed 0.00008; ExAC 0.00001; gnomAD exomes 0.00003.
gnomAD v4.1: 66 of 1,614,104 alleles (0.0041%); highest among the groups gnomAD compares: African/African-American, 0.024%; no homozygotes.

Submissions (4):

PreventionGenetics, part of Exact Sciences
Classification: Likely benign for NDRG1-related condition. Last evaluated: 2025-03-20. Review status: criteria provided, single submitter. Criteria: ACMG Guidelines, 2015. Collection method: clinical testing. Allele origin: germline.
Comment: This variant is classified as likely benign based on ACMG/AMP sequence variant interpretation guidelines (Richards et al. 2015 PMID: 25741868, with internal and published modifications).

Labcorp Genetics (formerly Invitae), Labcorp
Classification: Likely benign for Charcot-Marie-Tooth disease type 4. Last evaluated: 2024-12-18. Review status: criteria provided, single submitter. Criteria: Invitae Variant Classification Sherloc (09022015). Collection method: clinical testing. Allele origin: germline.

Ambry Genetics
Classification: Likely benign for Inborn genetic diseases. Last evaluated: 2019-07-11. Review status: criteria provided, single submitter. Criteria: Ambry Variant Classification Scheme 2023. Collection method: clinical testing. Allele origin: germline.

Natera, Inc.
Classification: Likely benign for Charcot-Marie-Tooth disease type 4. Last evaluated: 2020-09-16. Review status: no assertion criteria provided. Collection method: clinical testing. Allele origin: germline. Not counted in ClinVar's aggregate classification.